The following is an entry in ClinVar:

NM_015102.5(NPHP4):c.4052C>G (p.Thr1351Ser)

Gene: NPHP4 (nephrocystin 4; minus strand). Cytogenetic location: 1p36.31.
Variant type: single nucleotide variant.
Coding change: c.4052C>G on transcript NM_015102.5 (MANE Select); coding-DNA position 4052, C replaced by G.
Protein change: p.Thr1351Ser; replaces threonine 1351 with serine.
Molecular consequence: missense variant. On other transcripts: non-coding transcript variant (1).
Genome position (GRCh38, 1-based): chr1:5,863,978, G>C on the plus strand (C>G on the coding strand, the complement: NPHP4 is on the minus strand). VCF-style: chr1-5863978-G-C. GRCh37 (hg19) VCF-style: chr1-5924038-G-C.
Other names: c.2513C>G, p.Thr838Ser (NM_001291593.2); c.2516C>G, p.Thr839Ser (NM_001291594.2); short protein forms T1351S, T839S, T838S.
Identifiers: ClinVar variation 852752 (VCV000852752.12), dbSNP rs1347409180, ClinGen allele CA338049085.

ClinVar aggregate classification (germline): Uncertain significance. Review status: criteria provided, multiple submitters, no conflicts (2 of 4 stars). 2 submissions from 2 submitters: Uncertain significance (2). Last evaluated 2024-05-08.

Conditions:
Nephronophthisis. Also called: Juvenile Nephronophthisis. Identifiers: Orphanet 655, MedGen C0687120, MONDO:0019005, HP:0000090.
Nephronophthisis 4 (NPHP4). Also called: NEPHRONOPHTHISIS 4, JUVENILE. Identifiers: Orphanet 655, MedGen C1847013, MONDO:0011752, OMIM 606966.
Senior-Loken syndrome 4 (SLSN4). Identifiers: Orphanet 3156, MedGen C1846979, MONDO:0011756, OMIM 606996.

Allele frequency attached by ClinVar (database versions not stated): gnomAD exomes below 0.00001.
gnomAD v4.1: 2 of 1,613,804 alleles (0.00012%); highest among the groups gnomAD compares: African/African-American, 0.0013%; no homozygotes.

Submissions (2):

Fulgent Genetics
Classification: Uncertain significance for Nephronophthisis 4; Senior-Loken syndrome 4. Last evaluated: 2024-05-08. Review status: criteria provided, single submitter. Criteria: ACMG Guidelines, 2015. Collection method: clinical testing. Allele origin: germline.

Labcorp Genetics (formerly Invitae), Labcorp
Classification: Uncertain significance for Nephronophthisis. Last evaluated: 2022-03-10. Review status: criteria provided, single submitter. Criteria: Invitae Variant Classification Sherloc (09022015). Collection method: clinical testing. Allele origin: germline.
Comment: This variant is present in population databases (no rsID available, gnomAD 0.007%). In summary, the available evidence is currently insufficient to determine the role of this variant in disease. Therefore, it has been classified as a Variant of Uncertain Significance. Algorithms developed to predict the effect of missense changes on protein structure and function are either unavailable or do not agree on the potential impact of this missense change (SIFT: "Tolerated"; PolyPhen-2: "Possibly Damaging"; Align-GVGD: "Class C0"). ClinVar contains an entry for this variant (Variation ID: 852752). This variant has not been reported in the literature in individuals affected with NPHP4-related conditions. This sequence change replaces threonine, which is neutral and polar, with serine, which is neutral and polar, at codon 1351 of the NPHP4 protein (p.Thr1351Ser).